The following is an entry in ClinVar:

NM_002180.3(IGHMBP2):c.1117G>T (p.Val373Phe)

Gene: IGHMBP2 (immunoglobulin mu DNA binding protein 2; plus strand). Cytogenetic location: 11q13.3.
Variant type: single nucleotide variant.
Coding change: c.1117G>T on transcript NM_002180.3 (MANE Select); coding-DNA position 1117, G replaced by T.
Protein change: p.Val373Phe; replaces valine 373 with phenylalanine.
Molecular consequence: missense variant.
Genome position (GRCh38, 1-based): chr11:68,929,239, G>T. VCF-style: chr11-68929239-G-T. GRCh37 (hg19) VCF-style: chr11-68696707-G-T.
Other names: short protein forms V373F.
Identifiers: ClinVar variation 1358215 (VCV001358215.5), dbSNP rs2154008241, ClinGen allele CA381647485.
Genomic context (GRCh38, chr11:68,929,239, plus strand): 5'-CCAGGTGCGTCTGCCGATGGCCCCCTGAAGTTGCTGCCCGAGAGCTACTTCGACGTGGTG[G>T]TCATTGACGAGTGTGCCCAGGCCCTCGAGGCGAGCTGCTGGATCCCCCTGCTGAAGGCCA-3'
Protein context (NP_002171.2, residues 363-383): LLPESYFDVV[Val373Phe]IDECAQALEA

ClinVar aggregate classification (germline): Uncertain significance (1 of 4 stars; one submission).

Conditions:
Autosomal recessive distal spinal muscular atrophy 1. Also called: NEURONOPATHY, SEVERE INFANTILE AXONAL, WITH RESPIRATORY FAILURE; NEURONOPATHY, DISTAL HEREDITARY MOTOR, HARDING TYPE VI; NEUROPATHY, DISTAL HEREDITARY MOTOR, AUTOSOMAL RECESSIVE 1; SEVERE INFANTILE AXONAL NEUROPATHY WITH RESPIRATORY FAILURE; SPINAL MUSCULAR ATROPHY, DIAPHRAGMATIC; Spinal muscular atrophy with respiratory distress 1. Identifiers: Orphanet 98920, MedGen C1858517, MONDO:0011436, OMIM 604320.
Charcot-Marie-Tooth disease axonal type 2S. Also called: CHARCOT-MARIE-TOOTH NEUROPATHY, TYPE 2S; CHARCOT-MARIE-TOOTH DISEASE, AXONAL, AUTOSOMAL RECESSIVE, TYPE 2S. Identifiers: Orphanet 443073, MedGen C4015349, MONDO:0014511, OMIM 616155.

Submission:

Labcorp Genetics (formerly Invitae), Labcorp
Classification: Uncertain significance for Autosomal recessive distal spinal muscular atrophy 1; Charcot-Marie-Tooth disease axonal type 2S. Last evaluated: 2022-07-05. Review status: criteria provided, single submitter. Criteria: Invitae Variant Classification Sherloc (09022015). Collection method: clinical testing. Allele origin: germline.
Comment: This sequence change replaces valine, which is neutral and non-polar, with phenylalanine, which is neutral and non-polar, at codon 373 of the IGHMBP2 protein (p.Val373Phe). This variant is not present in population databases (gnomAD no frequency). This variant has not been reported in the literature in individuals affected with IGHMBP2-related conditions. ClinVar contains an entry for this variant (Variation ID: 1358215). Algorithms developed to predict the effect of missense changes on protein structure and function are either unavailable or do not agree on the potential impact of this missense change (SIFT: "Deleterious"; PolyPhen-2: "Probably Damaging"; Align-GVGD: "Class C0"). In summary, the available evidence is currently insufficient to determine the role of this variant in disease. Therefore, it has been classified as a Variant of Uncertain Significance.